The following is an entry in ClinVar:

NM_001256071.3(RNF213):c.2726C>G (p.Ala909Gly)

Gene: RNF213 (ring finger protein 213; plus strand). Cytogenetic location: 17q25.3.
Variant type: single nucleotide variant.
Coding change: c.2726C>G on transcript NM_001256071.3 (MANE Select); coding-DNA position 2726, C replaced by G.
Protein change: p.Ala909Gly; replaces alanine 909 with glycine.
Molecular consequence: missense variant.
Genome position (GRCh38, 1-based): chr17:80,313,082, C>G. VCF-style: chr17-80313082-C-G. GRCh37 (hg19) VCF-style: chr17-78286882-C-G.
Other names: c.2873C>G, p.Ala958Gly (NM_001410195.1, NM_020914.5); c.2726C>G, p.Ala909Gly (NM_020954.4); short protein forms A909G, A958G.
Identifiers: ClinVar variation 3774728 (VCV003774728.1).

ClinVar aggregate classification (germline): Uncertain significance (1 of 4 stars; one submission).

gnomAD v4.1: 33 of 1,614,010 alleles (0.002%); highest among the groups gnomAD compares: Non-Finnish European, 0.0027%; no homozygotes.

Submission:

GeneDx
Classification: Uncertain significance. Last evaluated: 2024-09-25. Review status: criteria provided, single submitter. Criteria: GeneDx Variant Classification Process June 2021. Collection method: clinical testing. Allele origin: germline. Affected: yes.
Comment: Not observed at significant frequency in large population cohorts (gnomAD); In silico analysis indicates that this missense variant does not alter protein structure/function; Has not been previously published as pathogenic or benign to our knowledge